The following is an entry in ClinVar:

ClinVar aggregate classification (germline): Likely benign. Review status: criteria provided, multiple submitters, no conflicts (2 of 4 stars). 3 submissions from 3 submitters: Likely benign (3). Last evaluated 2025-10-01.

Conditions:
Fanconi anemia complementation group E (FANCE). Also called: FANCE-Related Fanconi Anemia. Identifiers: Orphanet 84, MedGen C3160739, MONDO:0010953, OMIM 600901.

Allele frequency attached by ClinVar (database versions not stated): gnomAD 0.00001 and 0.00002; gnomAD exomes 0.00003; TOPMed 0.00003; ExAC 0.00004.
gnomAD v4.1: 18 of 1,612,740 alleles (0.0011%); highest among the groups gnomAD compares: East Asian, 0.0022%; 1 homozygote.

Submissions (3):

Labcorp Genetics (formerly Invitae), Labcorp
Classification: Likely benign for Fanconi anemia complementation group E. Last evaluated: 2025-10-01. Review status: criteria provided, single submitter. Criteria: Invitae Variant Classification Sherloc (09022015). Collection method: clinical testing. Allele origin: germline.

Blueprint Genetics
Classification: Likely benign. Last evaluated: 2024-10-17. Review status: criteria provided, single submitter. Criteria: ACMG Guidelines, 2015. Collection method: clinical testing. Allele origin: germline.

CeGaT Center for Human Genetics Tuebingen
Classification: Likely benign. Last evaluated: 2024-07-01. Review status: criteria provided, single submitter. Criteria: CeGaT Center For Human Genetics Tuebingen Variant Classification Criteria Version 2. Collection method: clinical testing. Allele origin: germline. Affected: yes. Observed: 1 variant allele.
Comment: FANCE: BP4, BP7

NM_021922.3(FANCE):c.540C>T (p.Ser180=)

Gene: FANCE (FA complementation group E; plus strand). Cytogenetic location: 6p21.31.
Variant type: single nucleotide variant.
Coding change: c.540C>T on transcript NM_021922.3 (MANE Select); coding-DNA position 540, C replaced by T.
Protein change: p.Ser180=; no amino-acid change (serine 180 retained).
Molecular consequence: synonymous variant.
Genome position (GRCh38, 1-based): chr6:35,456,038, C>T. VCF-style: chr6-35456038-C-T. GRCh37 (hg19) VCF-style: chr6-35423815-C-T.
Identifiers: ClinVar variation 1154919 (VCV001154919.27), dbSNP rs781691272, ClinGen allele CA3771436.
Genomic context (GRCh38, chr6:35,456,038, plus strand): 5'-CCAGAGACAGCTCCAAAGTCTATGTAGGGGGCTGGGCCTGGGGGGCAGGAGGTTGAAATC[C>T]CCCCAGGCTCCAGACCCTGAAGAAGAGGAGAACAGGGACTCCCAGCAGCCTGGGAAACGC-3'
Protein context (NP_068741.1, residues 170-190): GLGLGGRRLK[Ser180=]PQAPDPEEEE